The following is an entry in ClinVar:

ClinVar aggregate classification (germline): Likely benign (1 of 4 stars; one submission).

Conditions:
UCP3-related disorder. Also called: UCP3-related condition.

gnomAD v4.1: 7 of 1,606,658 alleles (0.00044%); highest among the groups gnomAD compares: African/African-American, 0.0067%; no homozygotes.

Submission:

PreventionGenetics, part of Exact Sciences
Classification: Likely benign for UCP3-related condition. Last evaluated: 2024-11-27. Review status: criteria provided, single submitter. Criteria: ACMG Guidelines, 2015. Collection method: clinical testing. Allele origin: germline.
Comment: This variant is classified as likely benign based on ACMG/AMP sequence variant interpretation guidelines (Richards et al. 2015 PMID: 25741868, with internal and published modifications).

NM_003356.4(UCP3):c.183G>T (p.Val61=)

Gene: UCP3 (uncoupling protein 3; minus strand). Cytogenetic location: 11q13.4.
Variant type: single nucleotide variant.
Coding change: c.183G>T on transcript NM_003356.4 (MANE Select); coding-DNA position 183, G replaced by T.
Protein change: p.Val61=; no amino-acid change (valine 61 retained).
Molecular consequence: synonymous variant.
Genome position (GRCh38, 1-based): chr11:74,006,323, C>A on the plus strand (G>T on the coding strand, the complement: UCP3 is on the minus strand). VCF-style: chr11-74006323-C-A. GRCh37 (hg19) VCF-style: chr11-73717368-C-A.
Other names: c.183G>T, p.Val61= (NM_022803.3).
Identifiers: ClinVar variation 4990482 (VCV004990482.1).